The following is an entry in ClinVar:

ClinVar aggregate classification (germline): Likely benign. Review status: criteria provided, multiple submitters, no conflicts (2 of 4 stars). 2 submissions from 2 submitters: Likely benign (2). Last evaluated 2024-11-01.

Conditions:
Multiple endocrine neoplasia, type 1 (MEN1). Also called: MEA I; Endocrine adenomatosis multiple; MEN 1; MEN I; WERMER SYNDROME. Identifiers: Orphanet 652, MedGen C0025267, MeSH D018761, MONDO:0007540, OMIM 131100.

Submissions (2):

Myriad Genetics, Inc.
Classification: Likely benign for Multiple endocrine neoplasia, type 1. Last evaluated: 2024-11-01. Review status: criteria provided, single submitter. Criteria: Myriad Autosomal Dominant, Autosomal Recessive and X-Linked Classification Criteria (2023). Collection method: clinical testing. Allele origin: unknown.
Comment: This variant is considered likely benign. This variant is intronic and is not expected to impact mRNA splicing.

Labcorp Genetics (formerly Invitae), Labcorp
Classification: Likely benign for Multiple endocrine neoplasia, type 1. Last evaluated: 2023-11-15. Review status: criteria provided, single submitter. Criteria: Invitae Variant Classification Sherloc (09022015). Collection method: clinical testing. Allele origin: germline.

NM_001370259.2(MEN1):c.655-12T>C

Gene: MEN1 (menin 1; minus strand). Cytogenetic location: 11q13.1.
Variant type: single nucleotide variant.
Coding change: c.655-12T>C on transcript NM_001370259.2 (MANE Select); 12 bases into the intron before coding-DNA position 655, T replaced by C.
Molecular consequence: intron variant.
Genome position (GRCh38, 1-based): chr11:64,807,692, A>G on the plus strand (T>C on the coding strand, the complement: MEN1 is on the minus strand). VCF-style: chr11-64807692-A-G. GRCh37 (hg19) VCF-style: chr11-64575164-A-G.
Other names: c.670-12T>C (NM_130804.3, NM_130803.3, NM_000244.4 and 3 more transcripts); c.655-12T>C (NM_130799.3, NM_001370260.2, NM_001370251.2 and 1 more transcripts); c.550-12T>C (NM_001370263.2, NM_001370262.2).
Identifiers: ClinVar variation 1631211 (VCV001631211.9), dbSNP rs2136144144, ClinGen allele CA2573147353.